The following is an entry in ClinVar:

ClinVar aggregate classification (germline): Likely pathogenic (1 of 4 stars; one submission).

Conditions:
Hereditary cancer-predisposing syndrome. Also called: Tumor predisposition; Hereditary Cancer Syndrome; Neoplastic Syndromes, Hereditary; Hereditary neoplastic syndrome. Identifiers: Orphanet 140162, MedGen C0027672, MeSH D009386, MONDO:0015356.

Submission:

Ambry Genetics
Classification: Likely pathogenic for Hereditary cancer-predisposing syndrome. Last evaluated: 2020-03-17. Review status: criteria provided, single submitter. Criteria: Ambry Variant Classification Scheme 2023. Collection method: clinical testing. Allele origin: germline.
Comment: The c.1_18del18insTGTTGCAG variant, located in coding exon 1 of the FLCN gene, results from an in-frame deletion of ATGAATGCCATCGTGGCT and insertion of TGTTGCAG at nucleotide positions 1 to 18. This results in the substitution of the methionine residue for a residue at codon 1. There is an in-frame methionine 54 amino acids downstream from this initiation site which may result in an N-terminal truncation; however, direct evidence is unavailable. The N-terminus of this protein has unknown functional/structural importance. However, several other alterations that disrupt the p.M1 inititation codon have been identified in patients with BHD syndrome and are considered pathogenic (Ambry internal data; Lim DH et al. Hum. Mutat., 2010 Jan;31:E1043-51; Houweling AC et al. Br. J. Cancer, 2011 Dec;105:1912-9; Bessis D et al. Br. J. Dermatol., 2006 Nov;155:1067-9). Since sequence variations that modify the initiation codon (ATG) are expected to result in either loss of translation initiation, N-terminal truncation, or cause a shift in the mRNA reading frame, this alteration is interpreted as likely pathogenic.

Literature cited by the submitters: PubMed 17034545; PubMed 19802896; PubMed 22146830.

NM_144997.7(FLCN):c.1_18delinsTGTTGCAG (p.Met1fs)

Gene: FLCN (folliculin; minus strand). Cytogenetic location: 17p11.2.
Variant type: Indel.
Coding change: c.1_18delinsTGTTGCAG on transcript NM_144997.7 (MANE Select); coding-DNA positions 1 to 18, ATGAATGCCATCGTGGCT replaced by TGTTGCAG.
Protein change: p.Met1fs; shifts the reading frame from methionine 1.
Molecular consequence: frameshift variant, initiator codon variant.
Genome position (GRCh38, 1-based): chr17:17,228,120-17,228,137, AGCCACGATGGCATTCAT replaced by CTGCAACA on the plus strand (ATGAATGCCATCGTGGCT replaced by TGTTGCAG on the coding strand, the reverse complement: FLCN is on the minus strand). VCF-style: chr17-17228120-AGCCACGATGGCATTCAT-CTGCAACA. GRCh37 (hg19) VCF-style: chr17-17131434-AGCCACGATGGCATTCAT-CTGCAACA.
Other names: c.1_18delinsTGTTGCAG, p.Met1fs (NM_001353229.2, NM_001353230.2, NM_001353231.2 and 1 more transcripts); short protein forms M1fs.
Identifiers: ClinVar variation 1793806 (VCV001793806.3), dbSNP rs2544315366, ClinGen allele CA2580092684.